The following is an entry in ClinVar:

ClinVar aggregate classification (germline): Uncertain significance (1 of 4 stars; one submission).

gnomAD v4.1: 1 of 1,613,988 alleles (0.000062%); highest among the groups gnomAD compares: Non-Finnish European, 0.000085%; no homozygotes.

Submission:

Labcorp Genetics (formerly Invitae), Labcorp
Classification: Uncertain significance. Last evaluated: 2023-07-06. Review status: criteria provided, single submitter. Criteria: Invitae Variant Classification Sherloc (09022015). Collection method: clinical testing. Allele origin: germline.
Comment: This sequence change replaces leucine, which is neutral and non-polar, with phenylalanine, which is neutral and non-polar, at codon 85 of the IKZF1 protein (p.Leu85Phe). This variant is not present in population databases (gnomAD no frequency). This variant has not been reported in the literature in individuals affected with IKZF1-related conditions. An algorithm developed to predict the effect of missense changes on protein structure and function (PolyPhen-2) suggests that this variant is likely to be tolerated. In summary, the available evidence is currently insufficient to determine the role of this variant in disease. Therefore, it has been classified as a Variant of Uncertain Significance.

NM_006060.6(IKZF1):c.253C>T (p.Leu85Phe)

Gene: IKZF1 (IKAROS family zinc finger 1; plus strand). Cytogenetic location: 7p12.2.
Variant type: single nucleotide variant.
Coding change: c.253C>T on transcript NM_006060.6 (MANE Select); coding-DNA position 253, C replaced by T.
Protein change: p.Leu85Phe; replaces leucine 85 with phenylalanine.
Molecular consequence: missense variant. On other transcripts: intron variant (9).
Genome position (GRCh38, 1-based): chr7:50,376,625, C>T. VCF-style: chr7-50376625-C-T. GRCh37 (hg19) VCF-style: chr7-50444323-C-T.
Other names: c.253C>T, p.Leu85Phe (NM_001220765.3, NM_001220768.2, NM_001220771.2 and 1 more transcripts); c.313C>T, p.Leu105Phe (NM_001410879.1); c.161-5915C>T (NM_001291839.2, NM_001291838.2, NM_001220767.2 and 1 more transcripts); c.161-10720C>T (NM_001291841.1, NM_001291842.1); c.161-15104C>T (NM_001291843.1, NM_001291844.1); c.161-23293C>T (NM_001291840.1); short protein forms L105F, L85F.
Identifiers: ClinVar variation 2736436 (VCV002736436.3), dbSNP rs2538094765, ClinGen allele CA367527163.